The following is an entry in ClinVar:

NM_006302.3(MOGS):c.2243C>A (p.Pro748His)

Gene: MOGS (mannosyl-oligosaccharide glucosidase; minus strand). Cytogenetic location: 2p13.1.
Variant type: single nucleotide variant.
Coding change: c.2243C>A on transcript NM_006302.3 (MANE Select); coding-DNA position 2243, C replaced by A.
Protein change: p.Pro748His; replaces proline 748 with histidine.
Molecular consequence: missense variant.
Genome position (GRCh38, 1-based): chr2:74,461,546, G>T on the plus strand (C>A on the coding strand, the complement: MOGS is on the minus strand). VCF-style: chr2-74461546-G-T. GRCh37 (hg19) VCF-style: chr2-74688673-G-T.
Other names: c.2243C>A, p.Pro748His (LRG_1226t1); c.1925C>A, p.Pro642His (NM_001146158.2); short protein forms P748H, P642H.
Identifiers: ClinVar variation 534241 (VCV000534241.7), dbSNP rs369937053, ClinGen allele CA1724628.

ClinVar aggregate classification (germline): Uncertain significance. Review status: criteria provided, multiple submitters, no conflicts (2 of 4 stars). 2 submissions from 2 submitters: Uncertain significance (2). Last evaluated 2024-06-16.

Conditions:
Inborn genetic diseases. Identifiers: MedGen C0950123, MeSH D030342.
MOGS-congenital disorder of glycosylation. Also called: CDG IIb; GLUCOSIDASE I DEFICIENCY; CDG 2B; MOGS-CDG. Identifiers: Orphanet 79330, MedGen C1853736, MONDO:0011629, OMIM 606056.

Allele frequency attached by ClinVar (database versions not stated): TOPMed 0.00002; gnomAD 0.00003; 1000 Genomes Project 30x 0.00016; 1000 Genomes Project 0.00020.
gnomAD v4.1: 27 of 1,614,032 alleles (0.0017%); highest among the groups gnomAD compares: Non-Finnish European, 0.0022%; no homozygotes.

Submissions (2):

Ambry Genetics
Classification: Uncertain significance for Inborn genetic diseases. Last evaluated: 2024-06-16. Review status: criteria provided, single submitter. Criteria: Ambry Variant Classification Scheme 2023. Collection method: clinical testing. Allele origin: germline.

Labcorp Genetics (formerly Invitae), Labcorp
Classification: Uncertain significance for MOGS-congenital disorder of glycosylation. Last evaluated: 2022-08-10. Review status: criteria provided, single submitter. Criteria: Invitae Variant Classification Sherloc (09022015). Collection method: clinical testing. Allele origin: germline.
Comment: This sequence change replaces proline, which is neutral and non-polar, with histidine, which is basic and polar, at codon 748 of the MOGS protein (p.Pro748His). This variant is present in population databases (rs369937053, gnomAD 0.005%). This variant has not been reported in the literature in individuals affected with MOGS-related conditions. ClinVar contains an entry for this variant (Variation ID: 534241). Algorithms developed to predict the effect of missense changes on protein structure and function are either unavailable or do not agree on the potential impact of this missense change (SIFT: "Deleterious"; PolyPhen-2: "Probably Damaging"; Align-GVGD: "Class C0"). In summary, the available evidence is currently insufficient to determine the role of this variant in disease. Therefore, it has been classified as a Variant of Uncertain Significance.